The following is an entry in ClinVar:

ClinVar aggregate classification (germline): Uncertain significance (1 of 4 stars; one submission).

Conditions:
Early-infantile DEE. Also called: Ohtahara syndrome; Early infantile epileptic encephalopathy; Early infantile epileptic encephalopathy with suppression bursts. Identifiers: Orphanet 1934, MedGen C0393706, MONDO:0800491.

Submission:

Labcorp Genetics (formerly Invitae), Labcorp
Classification: Uncertain significance for Early-infantile DEE. Last evaluated: 2023-10-07. Review status: criteria provided, single submitter. Criteria: Invitae Variant Classification Sherloc (09022015). Collection method: clinical testing. Allele origin: germline.
Comment: This sequence change replaces threonine, which is neutral and polar, with lysine, which is basic and polar, at codon 129 of the ARHGEF15 protein (p.Thr129Lys). This variant is not present in population databases (gnomAD no frequency). This variant has not been reported in the literature in individuals affected with ARHGEF15-related conditions. An algorithm developed to predict the effect of missense changes on protein structure and function (PolyPhen-2) suggests that this variant is likely to be tolerated. In summary, the available evidence is currently insufficient to determine the role of this variant in disease. Therefore, it has been classified as a Variant of Uncertain Significance.

NM_173728.4(ARHGEF15):c.386C>A (p.Thr129Lys)

Gene: ARHGEF15 (Rho guanine nucleotide exchange factor 15; plus strand). Cytogenetic location: 17p13.1.
Variant type: single nucleotide variant.
Coding change: c.386C>A on transcript NM_173728.4 (MANE Select); coding-DNA position 386, C replaced by A.
Protein change: p.Thr129Lys; replaces threonine 129 with lysine.
Molecular consequence: missense variant.
Genome position (GRCh38, 1-based): chr17:8,312,425, C>A. VCF-style: chr17-8312425-C-A. GRCh37 (hg19) VCF-style: chr17-8215743-C-A.
Other names: c.386C>A, p.Thr129Lys (NM_025014.2); short protein forms T129K.
Identifiers: ClinVar variation 2766605 (VCV002766605.3), dbSNP rs747278375, ClinGen allele CA398014431.